The following is an entry in ClinVar:

NM_005461.5(MAFB):c.469C>T (p.Pro157Ser)

Gene: MAFB (MAF bZIP transcription factor B; minus strand). Cytogenetic location: 20q12.
Variant type: single nucleotide variant.
Coding change: c.469C>T on transcript NM_005461.5 (MANE Select); coding-DNA position 469, C replaced by T.
Protein change: p.Pro157Ser; replaces proline 157 with serine.
Molecular consequence: missense variant.
Genome position (GRCh38, 1-based): chr20:40,688,382, G>A on the plus strand (C>T on the coding strand, the complement: MAFB is on the minus strand). VCF-style: chr20-40688382-G-A. GRCh37 (hg19) VCF-style: chr20-39317022-G-A.
Other names: short protein forms P157S.
Identifiers: ClinVar variation 4747334 (VCV004747334.1).

ClinVar aggregate classification (germline): Uncertain significance (1 of 4 stars; one submission).

Submission:

Labcorp Genetics (formerly Invitae), Labcorp
Classification: Uncertain significance. Last evaluated: 2025-09-14. Review status: criteria provided, single submitter. Criteria: Invitae Variant Classification Sherloc (09022015). Collection method: clinical testing. Allele origin: germline.
Comment: This sequence change replaces proline, which is neutral and non-polar, with serine, which is neutral and polar, at codon 157 of the MAFB protein (p.Pro157Ser). This variant is present in population databases (no rsID available, gnomAD 0.1%). This variant has not been reported in the literature in individuals affected with MAFB-related conditions. Invitae Evidence Modeling of protein sequence and biophysical properties (such as structural, functional, and spatial information, amino acid conservation, physicochemical variation, residue mobility, and thermodynamic stability) indicates that this missense variant is not expected to disrupt MAFB protein function with a negative predictive value of 95%. In summary, the available evidence is currently insufficient to determine the role of this variant in disease. Therefore, it has been classified as a Variant of Uncertain Significance.